The following is an entry in ClinVar:

ClinVar aggregate classification (germline): Uncertain significance (1 of 4 stars; one submission).

Conditions:
Developmental and epileptic encephalopathy, 30 (DEE30). Also called: Epileptic encephalopathy, early infantile, 30. Identifiers: MedGen C4225360, MONDO:0014595, OMIM 616341.

Submission:

Labcorp Genetics (formerly Invitae), Labcorp
Classification: Uncertain significance for Developmental and epileptic encephalopathy, 30. Last evaluated: 2025-06-15. Review status: criteria provided, single submitter. Criteria: Invitae Variant Classification Sherloc (09022015). Collection method: clinical testing. Allele origin: germline.
Comment: This sequence change replaces leucine, which is neutral and non-polar, with serine, which is neutral and polar, at codon 396 of the SIK1 protein (p.Leu396Ser). This variant is not present in population databases (gnomAD no frequency). This variant has not been reported in the literature in individuals affected with SIK1-related conditions. Invitae Evidence Modeling of protein sequence and biophysical properties (such as structural, functional, and spatial information, amino acid conservation, physicochemical variation, residue mobility, and thermodynamic stability) indicates that this missense variant is not expected to disrupt SIK1 protein function with a negative predictive value of 95%. In summary, the available evidence is currently insufficient to determine the role of this variant in disease. Therefore, it has been classified as a Variant of Uncertain Significance.

NM_173354.5(SIK1):c.1187T>C (p.Leu396Ser)

Gene: SIK1 (salt inducible kinase 1; minus strand). Cytogenetic location: 21q22.3.
Variant type: single nucleotide variant.
Coding change: c.1187T>C on transcript NM_173354.5 (MANE Select); coding-DNA position 1187, T replaced by C.
Protein change: p.Leu396Ser; replaces leucine 396 with serine.
Molecular consequence: missense variant.
Genome position (GRCh38, 1-based): chr21:43,419,411, A>G on the plus strand (T>C on the coding strand, the complement: SIK1 is on the minus strand). VCF-style: chr21-43419411-A-G. GRCh37 (hg19) VCF-style: chr21-44839291-A-G.
Other names: short protein forms L396S.
Identifiers: ClinVar variation 4767039 (VCV004767039.1).
Genomic context (GRCh38, chr21:43,419,411, plus strand): 5'-ACCCACTGCAGCGAGCTCTGGAGCTCACAGTCCATCTCGGCCTGGAGGACGGACTGCACC[A>G]AGGTCTGCGGCTGCGGGCACAGCAAGGCAGGTCGGAAAGGGTCGGTGGAAAGACCTTCCT-3'
Protein context (NP_775490.2, residues 386-406): PALLCPQPQT[Leu396Ser]VQSVLQAEMD